The following is an entry in ClinVar:

NM_005676.5(RBM10):c.914G>A (p.Arg305His)

Gene: RBM10 (RNA binding motif protein 10; plus strand). Cytogenetic location: Xp11.3.
Variant type: single nucleotide variant.
Coding change: c.914G>A on transcript NM_005676.5 (MANE Select); coding-DNA position 914, G replaced by A.
Protein change: p.Arg305His; replaces arginine 305 with histidine.
Molecular consequence: missense variant.
Genome position (GRCh38, 1-based): chrX:47,179,892, G>A. VCF-style: chrX-47179892-G-A. GRCh37 (hg19) VCF-style: chrX-47039291-G-A.
Other names: c.683G>A, p.Arg228His (NM_001204466.2, NM_152856.3); c.914G>A, p.Arg305His (NM_001204467.2); c.1109G>A, p.Arg370His (NM_001204468.2); short protein forms R228H, R305H, R370H.
Identifiers: ClinVar variation 2757062 (VCV002757062.3), dbSNP rs2147172523, ClinGen allele CA412797645.

ClinVar aggregate classification (germline): Uncertain significance (1 of 4 stars; one submission).

Allele frequency attached by ClinVar (database versions not stated): gnomAD exomes below 0.00001.
gnomAD v4.1: 1 of 1,207,321 alleles (0.000083%); highest among the groups gnomAD compares: East Asian, 0.003%; no homozygotes.

Submission:

Labcorp Genetics (formerly Invitae), Labcorp
Classification: Uncertain significance. Last evaluated: 2024-10-23. Review status: criteria provided, single submitter. Criteria: Invitae Variant Classification Sherloc (09022015). Collection method: clinical testing. Allele origin: germline.
Comment: This sequence change replaces arginine, which is basic and polar, with histidine, which is basic and polar, at codon 305 of the RBM10 protein (p.Arg305His). This variant is not present in population databases (gnomAD no frequency). This variant has not been reported in the literature in individuals affected with RBM10-related conditions. Invitae Evidence Modeling of protein sequence and biophysical properties (such as structural, functional, and spatial information, amino acid conservation, physicochemical variation, residue mobility, and thermodynamic stability) has been performed for this missense variant. However, the output from this modeling did not meet the statistical confidence thresholds required to predict the impact of this variant on RBM10 protein function. In summary, the available evidence is currently insufficient to determine the role of this variant in disease. Therefore, it has been classified as a Variant of Uncertain Significance.